The following is an entry in ClinVar:

ClinVar aggregate classification (germline): Uncertain significance (1 of 4 stars; one submission).

Allele frequency attached by ClinVar (database versions not stated): gnomAD exomes below 0.00001.
gnomAD v4.1: 1 of 1,614,166 alleles (0.000062%); highest among the groups gnomAD compares: Admixed American, 0.0017%; no homozygotes.

Submission:

GeneDx
Classification: Uncertain significance. Last evaluated: 2022-06-10. Review status: criteria provided, single submitter. Criteria: GeneDx Variant Classification Process June 2021. Collection method: clinical testing. Allele origin: germline. Affected: yes.
Comment: Not observed at significant frequency in large population cohorts (gnomAD); In silico analysis supports that this missense variant does not alter protein structure/function; Has not been previously published as pathogenic or benign to our knowledge

NM_005121.3(MED13):c.713A>G (p.Gln238Arg)

Gene: MED13 (mediator complex subunit 13; minus strand). Cytogenetic location: 17q23.2.
Variant type: single nucleotide variant.
Coding change: c.713A>G on transcript NM_005121.3 (MANE Select); coding-DNA position 713, A replaced by G.
Protein change: p.Gln238Arg; replaces glutamine 238 with arginine.
Molecular consequence: missense variant.
Genome position (GRCh38, 1-based): chr17:62,033,888, T>C on the plus strand (A>G on the coding strand, the complement: MED13 is on the minus strand). VCF-style: chr17-62033888-T-C. GRCh37 (hg19) VCF-style: chr17-60111249-T-C.
Other names: short protein forms Q238R.
Identifiers: ClinVar variation 1803444 (VCV001803444.1), dbSNP rs2509166457, ClinGen allele CA400786203.